The following is an entry in ClinVar:

ClinVar aggregate classification (germline): Uncertain significance (1 of 4 stars; one submission).

Conditions:
Inborn genetic diseases. Identifiers: MedGen C0950123, MeSH D030342.

Submission:

Ambry Genetics
Classification: Uncertain significance for Inborn genetic diseases. Last evaluated: 2025-06-23. Review status: criteria provided, single submitter. Criteria: Ambry Variant Classification Scheme 2023. Collection method: clinical testing. Allele origin: germline.
Comment: The p.T614I variant (also known as c.1841C>T), located in coding exon 12 of the BMPR2 gene, results from a C to T substitution at nucleotide position 1841. The threonine at codon 614 is replaced by isoleucine, an amino acid with similar properties. This amino acid position is conserved. In addition, this alteration is predicted to be tolerated by in silico analysis. Based on the available evidence, the clinical significance of this variant remains unclear.

NM_001204.7(BMPR2):c.1841C>T (p.Thr614Ile)

Gene: BMPR2 (bone morphogenetic protein receptor type 2; plus strand). Cytogenetic location: 2q33.2.
Variant type: single nucleotide variant.
Coding change: c.1841C>T on transcript NM_001204.7 (MANE Select); coding-DNA position 1841, C replaced by T.
Protein change: p.Thr614Ile; replaces threonine 614 with isoleucine.
Molecular consequence: missense variant.
Genome position (GRCh38, 1-based): chr2:202,555,506, C>T. VCF-style: chr2-202555506-C-T. GRCh37 (hg19) VCF-style: chr2-203420229-C-T.
Other names: short protein forms T614I.
Identifiers: ClinVar variation 4214416 (VCV004214416.1).